The following is an entry in ClinVar:

NM_018052.5(VAC14):c.56A>G (p.Asn19Ser)

Gene: VAC14 (VAC14 component of PIKFYVE complex; minus strand). Cytogenetic location: 16q22.2.
Variant type: single nucleotide variant.
Coding change: c.56A>G on transcript NM_018052.5 (MANE Select); coding-DNA position 56, A replaced by G.
Protein change: p.Asn19Ser; replaces asparagine 19 with serine.
Molecular consequence: missense variant. On other transcripts: 5 prime UTR variant (1).
Genome position (GRCh38, 1-based): chr16:70,800,845, T>C on the plus strand (A>G on the coding strand, the complement: VAC14 is on the minus strand). VCF-style: chr16-70800845-T-C. GRCh37 (hg19) VCF-style: chr16-70834748-T-C.
Other names: c.-496A>G (NM_001351157.2); c.56A>G (NM_018052.3); short protein forms N19S.
Identifiers: ClinVar variation 2192465 (VCV002192465.4), dbSNP rs200774492, ClinGen allele CA8148222.
Genomic context (GRCh38, chr16:70,800,845, plus strand): 5'-GGCGGCTCTTACTTCTCGATCTCCAGCGCTGCCACCTTCCGCTTTTCGTACAGCTTGTCA[T>C]TGAGGGCGCGCACGATGTTAGGCGTGAGCGGCGCGAAATCCTTCTCGGGGTTCATGGTGG-3'
Protein context (NP_060522.3, residues 9-29): PLTPNIVRAL[Asn19Ser]DKLYEKRKVA

ClinVar aggregate classification (germline): Uncertain significance. Review status: criteria provided, multiple submitters, no conflicts (2 of 4 stars). 2 submissions from 2 submitters: Uncertain significance (2). Last evaluated 2025-04-09.

Conditions:
Inborn genetic diseases. Identifiers: MedGen C0950123, MeSH D030342.

Allele frequency attached by ClinVar (database versions not stated): ExAC 0.00002; TOPMed 0.00019; ESP Exome Variant Server 0.00008; gnomAD 0.00006.
gnomAD v4.1: 80 of 1,609,406 alleles (0.005%); highest among the groups gnomAD compares: Middle Eastern, 0.033%; no homozygotes.

Submissions (2):

Ambry Genetics
Classification: Uncertain significance for Inborn genetic diseases. Last evaluated: 2025-04-09. Review status: criteria provided, single submitter. Criteria: Ambry Variant Classification Scheme 2023. Collection method: clinical testing. Allele origin: germline.

Labcorp Genetics (formerly Invitae), Labcorp
Classification: Uncertain significance. Last evaluated: 2025-01-27. Review status: criteria provided, single submitter. Criteria: Invitae Variant Classification Sherloc (09022015). Collection method: clinical testing. Allele origin: germline.
Comment: This sequence change replaces asparagine, which is neutral and polar, with serine, which is neutral and polar, at codon 19 of the VAC14 protein (p.Asn19Ser). This variant is present in population databases (rs200774492, gnomAD 0.01%). This variant has not been reported in the literature in individuals affected with VAC14-related conditions. ClinVar contains an entry for this variant (Variation ID: 2192465). Invitae Evidence Modeling of protein sequence and biophysical properties (such as structural, functional, and spatial information, amino acid conservation, physicochemical variation, residue mobility, and thermodynamic stability) indicates that this missense variant is not expected to disrupt VAC14 protein function with a negative predictive value of 80%. In summary, the available evidence is currently insufficient to determine the role of this variant in disease. Therefore, it has been classified as a Variant of Uncertain Significance.